The following is an entry in ClinVar:

NC_000015.10:g.84817027C>A

Gene: ALPK3 (alpha kinase 3; plus strand). Cytogenetic location: 15q25.3.
Variant type: single nucleotide variant.
Genome position: GRCh38 VCF-style: chr15-84817027-C-A. GRCh37 (hg19) VCF-style: chr15-85360258-C-A.
Identifiers: ClinVar variation 3632178 (VCV003632178.2).

ClinVar aggregate classification (germline): Uncertain significance (1 of 4 stars; one submission).

Submission:

Labcorp Genetics (formerly Invitae), Labcorp
Classification: Uncertain significance. Last evaluated: 2024-03-12. Review status: criteria provided, single submitter. Criteria: Invitae Variant Classification Sherloc (09022015). Collection method: clinical testing. Allele origin: germline.
Comment: This sequence change replaces proline, which is neutral and non-polar, with threonine, which is neutral and polar, at codon 61 of the ALPK3 protein (p.Pro61Thr). This variant is not present in population databases (gnomAD no frequency). This variant has not been reported in the literature in individuals affected with ALPK3-related conditions. An algorithm developed to predict the effect of missense changes on protein structure and function (PolyPhen-2) suggests that this variant is likely to be disruptive. In summary, the available evidence is currently insufficient to determine the role of this variant in disease. Therefore, it has been classified as a Variant of Uncertain Significance.